The following is an entry in ClinVar:

ClinVar aggregate classification (germline): Uncertain significance (1 of 4 stars; one submission).

Conditions:
Asphyxiating thoracic dystrophy 5 (SRTD5). Also called: SHORT-RIB THORACIC DYSPLASIA 5 WITHOUT POLYDACTYLY; SHORT-RIB THORACIC DYSPLASIA 5 WITH OR WITHOUT POLYDACTYLY. Identifiers: Orphanet 474, MedGen C3280598, MONDO:0013717, OMIM 614376.
Senior-Loken syndrome 8 (SLSN8). Identifiers: Orphanet 3156, MedGen C4225376, MONDO:0014579, OMIM 616307.

Submission:

Labcorp Genetics (formerly Invitae), Labcorp
Classification: Uncertain significance for Senior-Loken syndrome 8; Asphyxiating thoracic dystrophy 5. Last evaluated: 2022-07-25. Review status: criteria provided, single submitter. Criteria: Invitae Variant Classification Sherloc (09022015). Collection method: clinical testing. Allele origin: germline.
Comment: In summary, the available evidence is currently insufficient to determine the role of this variant in disease. Therefore, it has been classified as a Variant of Uncertain Significance. Algorithms developed to predict the effect of sequence changes on RNA splicing suggest that this variant may create or strengthen a splice site. ClinVar contains an entry for this variant (Variation ID: 1477122). This variant has not been reported in the literature in individuals affected with WDR19-related conditions. This variant is not present in population databases (gnomAD no frequency). This sequence change falls in intron 30 of the WDR19 gene. It does not directly change the encoded amino acid sequence of the WDR19 protein.

NM_025132.4(WDR19):c.3358+12A>G

Gene: WDR19 (WD repeat domain 19; plus strand). Cytogenetic location: 4p14.
Variant type: single nucleotide variant.
Coding change: c.3358+12A>G on transcript NM_025132.4 (MANE Select); 12 bases into the intron after coding-DNA position 3358, A replaced by G.
Molecular consequence: intron variant.
Genome position (GRCh38, 1-based): chr4:39,268,103, A>G. VCF-style: chr4-39268103-A-G. GRCh37 (hg19) VCF-style: chr4-39269723-A-G.
Other names: c.2878+12A>G (NM_001317924.2).
Identifiers: ClinVar variation 1477122 (VCV001477122.8), dbSNP rs2109490722, ClinGen allele CA2573137755.